The following is an entry in ClinVar:

NM_006767.4(LZTR1):c.86A>T (p.Asp29Val)

Genes: LZTR1 (leucine zipper like post translational regulator 1; plus strand), LOC130067016 (ATAC-STARR-seq lymphoblastoid silent region 13504; plus strand). Cytogenetic location: 22q11.21.
Variant type: single nucleotide variant.
Coding change: c.86A>T on transcript NM_006767.4 (MANE Select); coding-DNA position 86, A replaced by T.
Protein change: p.Asp29Val; replaces aspartic acid 29 with valine.
Molecular consequence: missense variant.
Genome position (GRCh38, 1-based): chr22:20,982,457, A>T. VCF-style: chr22-20982457-A-T. GRCh37 (hg19) VCF-style: chr22-21336746-A-T.
Other names: short protein forms D29V.
Identifiers: ClinVar variation 3541595 (VCV003541595.1).
Genomic context (GRCh38, chr22:20,982,457, plus strand): 5'-GGCAGATCGGGGCTGCGGCCCTGGCAGGCGGCGCGCGGTCCAAGGTAGCCCCGAGCGTGG[A>T]CTTCGACCATAGCTGCTCGGACAGTGTCGAGTACCTGACGCTCAACTTCGGGCCCTTCGA-3'
Protein context (NP_006758.2, residues 19-39): GARSKVAPSV[Asp29Val]FDHSCSDSVE

ClinVar aggregate classification (germline): Uncertain significance (1 of 4 stars; one submission).

Conditions:
Hereditary cancer-predisposing syndrome. Also called: Hereditary Cancer Syndrome; Hereditary neoplastic syndrome; Tumor predisposition; Neoplastic Syndromes, Hereditary. Identifiers: Orphanet 140162, MedGen C0027672, MeSH D009386, MONDO:0015356.
Cardiovascular phenotype. Identifiers: MedGen CN230736.

Submission:

Ambry Genetics
Classification: Uncertain significance for Cardiovascular phenotype; Hereditary cancer-predisposing syndrome. Last evaluated: 2024-08-05. Review status: criteria provided, single submitter. Criteria: Ambry Variant Classification Scheme 2023. Collection method: clinical testing. Allele origin: germline.
Comment: The p.D29V variant (also known as c.86A>T), located in coding exon 1 of the LZTR1 gene, results from an A to T substitution at nucleotide position 86. The aspartic acid at codon 29 is replaced by valine, an amino acid with highly dissimilar properties. This amino acid position is conserved. In addition, the in silico prediction for this alteration is inconclusive. Based on the available evidence, the clinical significance of this variant remains unclear.